The following is an entry in ClinVar:

ClinVar aggregate classification (germline): Benign (0 of 4 stars; one submission).

Conditions:
HDLBP-related disorder. Also called: HDLBP-related condition.

Allele frequency attached by ClinVar (database versions not stated): TOPMed 0.07717; ESP Exome Variant Server 0.08996; gnomAD exomes 0.11141; ExAC 0.09880; 1000 Genomes Project 0.06809; 1000 Genomes Project 30x 0.06824; gnomAD 0.08168.
gnomAD v4.1: 175,134 of 1,612,712 alleles (11%); highest among the groups gnomAD compares: Middle Eastern, 16%; 10,299 homozygotes.

Submissions (37):

PreventionGenetics, part of Exact Sciences
Classification: Benign for HDLBP-related condition. Last evaluated: 2019-10-31. Review status: no assertion criteria provided. Collection method: clinical testing. Allele origin: germline.
Comment: This variant is classified as benign based on ACMG/AMP sequence variant interpretation guidelines (Richards et al. 2015 PMID: 25741868, with internal and published modifications).

Dr. Peter K. Rogan Lab, Western University
No classification provided (evidence only). Condition: Colorectal cancer. Review status: no classification provided. Collection method: in vitro. Allele origin: not applicable. Functional consequence: retained intron. Not counted in ClinVar's aggregate classification.

Dr. Peter K. Rogan Lab, Western University
No classification provided (evidence only). Condition: Colorectal cancer. Review status: no classification provided. Collection method: in vitro. Allele origin: not applicable. Functional consequence: retained intron. Not counted in ClinVar's aggregate classification.

Dr. Peter K. Rogan Lab, Western University
No classification provided (evidence only). Condition: Colorectal cancer. Review status: no classification provided. Collection method: in vitro. Allele origin: not applicable. Functional consequence: retained intron. Not counted in ClinVar's aggregate classification.

Dr. Peter K. Rogan Lab, Western University
No classification provided (evidence only). Condition: Colorectal cancer. Review status: no classification provided. Collection method: in vitro. Allele origin: not applicable. Functional consequence: retained intron. Not counted in ClinVar's aggregate classification.

Dr. Peter K. Rogan Lab, Western University
No classification provided (evidence only). Condition: Colorectal cancer. Review status: no classification provided. Collection method: in vitro. Allele origin: not applicable. Functional consequence: retained intron. Not counted in ClinVar's aggregate classification.

Dr. Peter K. Rogan Lab, Western University
No classification provided (evidence only). Condition: Colorectal cancer. Review status: no classification provided. Collection method: in vitro. Allele origin: not applicable. Functional consequence: retained intron. Not counted in ClinVar's aggregate classification.

Dr. Peter K. Rogan Lab, Western University
No classification provided (evidence only). Condition: Colorectal cancer. Review status: no classification provided. Collection method: in vitro. Allele origin: not applicable. Functional consequence: retained intron. Not counted in ClinVar's aggregate classification.

Dr. Peter K. Rogan Lab, Western University
No classification provided (evidence only). Condition: Colorectal cancer. Review status: no classification provided. Collection method: in vitro. Allele origin: not applicable. Functional consequence: retained intron. Not counted in ClinVar's aggregate classification.

Dr. Peter K. Rogan Lab, Western University
No classification provided (evidence only). Condition: Colorectal cancer. Review status: no classification provided. Collection method: in vitro. Allele origin: not applicable. Functional consequence: retained intron. Not counted in ClinVar's aggregate classification.

Dr. Peter K. Rogan Lab, Western University
No classification provided (evidence only). Condition: Colorectal cancer. Review status: no classification provided. Collection method: in vitro. Allele origin: not applicable. Functional consequence: retained intron. Not counted in ClinVar's aggregate classification.

Dr. Peter K. Rogan Lab, Western University
No classification provided (evidence only). Condition: Colorectal cancer. Review status: no classification provided. Collection method: in vitro. Allele origin: not applicable. Functional consequence: retained intron. Not counted in ClinVar's aggregate classification.

Dr. Peter K. Rogan Lab, Western University
No classification provided (evidence only). Condition: Malignant lymphoma, large B-cell, diffuse. Review status: no classification provided. Collection method: in vitro. Allele origin: not applicable. Functional consequence: retained intron. Not counted in ClinVar's aggregate classification.

Dr. Peter K. Rogan Lab, Western University
No classification provided (evidence only). Condition: Malignant lymphoma, large B-cell, diffuse. Review status: no classification provided. Collection method: in vitro. Allele origin: not applicable. Functional consequence: retained intron. Not counted in ClinVar's aggregate classification.

Dr. Peter K. Rogan Lab, Western University
No classification provided (evidence only). Condition: Hepatocellular carcinoma. Review status: no classification provided. Collection method: in vitro. Allele origin: not applicable. Functional consequence: retained intron. Not counted in ClinVar's aggregate classification.

Dr. Peter K. Rogan Lab, Western University
No classification provided (evidence only). Condition: Nonpapillary renal cell carcinoma. Review status: no classification provided. Collection method: in vitro. Allele origin: not applicable. Functional consequence: retained intron. Not counted in ClinVar's aggregate classification.

Dr. Peter K. Rogan Lab, Western University
No classification provided (evidence only). Condition: Nonpapillary renal cell carcinoma. Review status: no classification provided. Collection method: in vitro. Allele origin: not applicable. Functional consequence: retained intron. Not counted in ClinVar's aggregate classification.

Dr. Peter K. Rogan Lab, Western University
No classification provided (evidence only). Condition: Nonpapillary renal cell carcinoma. Review status: no classification provided. Collection method: in vitro. Allele origin: not applicable. Functional consequence: retained intron. Not counted in ClinVar's aggregate classification.

Dr. Peter K. Rogan Lab, Western University
No classification provided (evidence only). Condition: Nonpapillary renal cell carcinoma. Review status: no classification provided. Collection method: in vitro. Allele origin: not applicable. Functional consequence: retained intron. Not counted in ClinVar's aggregate classification.

Dr. Peter K. Rogan Lab, Western University
No classification provided (evidence only). Condition: Adrenocortical carcinoma, hereditary. Review status: no classification provided. Collection method: in vitro. Allele origin: not applicable. Functional consequence: retained intron. Not counted in ClinVar's aggregate classification.

Dr. Peter K. Rogan Lab, Western University
No classification provided (evidence only). Condition: Adrenocortical carcinoma, hereditary. Review status: no classification provided. Collection method: in vitro. Allele origin: not applicable. Functional consequence: retained intron. Not counted in ClinVar's aggregate classification.

Dr. Peter K. Rogan Lab, Western University
No classification provided (evidence only). Condition: Adrenocortical carcinoma, hereditary. Review status: no classification provided. Collection method: in vitro. Allele origin: not applicable. Functional consequence: retained intron. Not counted in ClinVar's aggregate classification.

Dr. Peter K. Rogan Lab, Western University
No classification provided (evidence only). Condition: Adrenocortical carcinoma, hereditary. Review status: no classification provided. Collection method: in vitro. Allele origin: not applicable. Functional consequence: retained intron. Not counted in ClinVar's aggregate classification.

Dr. Peter K. Rogan Lab, Western University
No classification provided (evidence only). Condition: Adrenocortical carcinoma, hereditary. Review status: no classification provided. Collection method: in vitro. Allele origin: not applicable. Functional consequence: retained intron. Not counted in ClinVar's aggregate classification.

Dr. Peter K. Rogan Lab, Western University
No classification provided (evidence only). Condition: Adrenocortical carcinoma, hereditary. Review status: no classification provided. Collection method: in vitro. Allele origin: not applicable. Functional consequence: retained intron. Not counted in ClinVar's aggregate classification.

Dr. Peter K. Rogan Lab, Western University
No classification provided (evidence only). Condition: Adrenocortical carcinoma, hereditary. Review status: no classification provided. Collection method: in vitro. Allele origin: not applicable. Functional consequence: retained intron. Not counted in ClinVar's aggregate classification.

Dr. Peter K. Rogan Lab, Western University
No classification provided (evidence only). Condition: Adrenocortical carcinoma, hereditary. Review status: no classification provided. Collection method: in vitro. Allele origin: not applicable. Functional consequence: retained intron. Not counted in ClinVar's aggregate classification.

Dr. Peter K. Rogan Lab, Western University
No classification provided (evidence only). Condition: Adrenocortical carcinoma, hereditary. Review status: no classification provided. Collection method: in vitro. Allele origin: not applicable. Functional consequence: retained intron. Not counted in ClinVar's aggregate classification.

Dr. Peter K. Rogan Lab, Western University
No classification provided (evidence only). Condition: Adrenocortical carcinoma, hereditary. Review status: no classification provided. Collection method: in vitro. Allele origin: not applicable. Functional consequence: retained intron. Not counted in ClinVar's aggregate classification.

Dr. Peter K. Rogan Lab, Western University
No classification provided (evidence only). Condition: Uterine carcinosarcoma. Review status: no classification provided. Collection method: in vitro. Allele origin: not applicable. Functional consequence: retained intron. Not counted in ClinVar's aggregate classification.

Dr. Peter K. Rogan Lab, Western University
No classification provided (evidence only). Condition: Uterine carcinosarcoma. Review status: no classification provided. Collection method: in vitro. Allele origin: not applicable. Functional consequence: retained intron. Not counted in ClinVar's aggregate classification.

Dr. Peter K. Rogan Lab, Western University
No classification provided (evidence only). Condition: Uterine carcinosarcoma. Review status: no classification provided. Collection method: in vitro. Allele origin: not applicable. Functional consequence: retained intron. Not counted in ClinVar's aggregate classification.

Dr. Peter K. Rogan Lab, Western University
No classification provided (evidence only). Condition: Uterine carcinosarcoma. Review status: no classification provided. Collection method: in vitro. Allele origin: not applicable. Functional consequence: retained intron. Not counted in ClinVar's aggregate classification.

Dr. Peter K. Rogan Lab, Western University
No classification provided (evidence only). Condition: Uterine carcinosarcoma. Review status: no classification provided. Collection method: in vitro. Allele origin: not applicable. Functional consequence: retained intron. Not counted in ClinVar's aggregate classification.

Dr. Peter K. Rogan Lab, Western University
No classification provided (evidence only). Condition: Uterine carcinosarcoma. Review status: no classification provided. Collection method: in vitro. Allele origin: not applicable. Functional consequence: retained intron. Not counted in ClinVar's aggregate classification.

Dr. Peter K. Rogan Lab, Western University
No classification provided (evidence only). Condition: Uterine carcinosarcoma. Review status: no classification provided. Collection method: in vitro. Allele origin: not applicable. Functional consequence: retained intron. Not counted in ClinVar's aggregate classification.

Dr. Peter K. Rogan Lab, Western University
No classification provided (evidence only). Condition: Uterine carcinosarcoma. Review status: no classification provided. Collection method: in vitro. Allele origin: not applicable. Functional consequence: retained intron. Not counted in ClinVar's aggregate classification.

NM_005336.6(HDLBP):c.2750-4C>G

Genes: ANO7 (anoctamin 7; plus strand), HDLBP (high density lipoprotein binding protein; minus strand). Cytogenetic location: 2q37.3.
Variant type: single nucleotide variant.
Coding change: c.2750-4C>G on transcript NM_005336.6 (MANE Select); 4 bases into the intron before coding-DNA position 2750, C replaced by G.
Molecular consequence: intron variant.
Genome position (GRCh38, 1-based): chr2:241,236,773, G>C on the plus strand (C>G on the coding strand, the complement: HDLBP is on the minus strand). VCF-style: chr2-241236773-G-C. GRCh37 (hg19) VCF-style: chr2-242176188-G-C.
Other names: NC_000002.11:g.242176188G>C; c.2750-4C>G (NM_001320965.3, NM_001320967.3, NM_203346.6 and 1 more transcripts); c.2651-4C>G (NM_001243900.3).
Identifiers: ClinVar variation 3055900 (VCV003055900.3), dbSNP rs2305071, ClinGen allele CA2216245.
Genomic context (GRCh38, chr2:241,236,773, plus strand): 5'-CTCTCCCCTCCCCAGCTTCGTCCCCATTCTCCTGGACAACTGGCTCTGTACTGTGAACTA[G>C]AGAGAAAGGGGAAAAGGGACAGCTGACAGCTGCTGGAAGAGACCCCACACCTTGTTCAGA-3'